The following is an entry in ClinVar:

ClinVar aggregate classification (germline): Likely benign (1 of 4 stars; one submission).

Conditions:
Oligodontia-cancer predisposition syndrome. Also called: TOOTH AGENESIS-COLORECTAL CANCER SYNDROME. Identifiers: Orphanet 300576, MedGen C1837750, MONDO:0012075, OMIM 608615. Disease mechanism: loss of function.

Submission:

Myriad Genetics, Inc.
Classification: Likely benign for Oligodontia-cancer predisposition syndrome. Last evaluated: 2024-06-27. Review status: criteria provided, single submitter. Criteria: Myriad Autosomal Dominant, Autosomal Recessive and X-Linked Classification Criteria (2023). Collection method: clinical testing. Allele origin: unknown.
Comment: This variant is considered likely benign. This variant is intronic and is not expected to impact mRNA splicing.

NM_004655.4(AXIN2):c.816-19T>C

Gene: AXIN2 (axin 2; minus strand). Cytogenetic location: 17q24.1.
Variant type: single nucleotide variant.
Coding change: c.816-19T>C on transcript NM_004655.4 (MANE Select); 19 bases into the intron before coding-DNA position 816, T replaced by C.
Molecular consequence: intron variant.
Genome position (GRCh38, 1-based): chr17:65,549,679, A>G on the plus strand (T>C on the coding strand, the complement: AXIN2 is on the minus strand). VCF-style: chr17-65549679-A-G. GRCh37 (hg19) VCF-style: chr17-63545797-A-G.
Other names: c.816-19T>C (NM_001363813.1).
Identifiers: ClinVar variation 3254311 (VCV003254311.1), dbSNP rs2544218987.